The following is an entry in ClinVar:

NM_014946.4(SPAST):c.328_340del (p.Gly110fs)

Gene: SPAST (spastin; plus strand). Cytogenetic location: 2p22.3.
Variant type: Deletion.
Coding change: c.328_340del on transcript NM_014946.4 (MANE Select); coding-DNA positions 328 to 340, 13 bases deleted (GGCGGCGAGGCCG).
Protein change: p.Gly110fs; shifts the reading frame from glycine 110.
Molecular consequence: frameshift variant.
Genome position (GRCh38, 1-based): chr2:32,064,159-32,064,171, GGCGGCGAGGCCG deleted; deleting any 13 consecutive bases within chr2:32,064,155-32,064,171 gives the same sequence; the c. name uses the placement nearest the transcript's 3' end. VCF-style (leftmost placement, unchanged base first): chr2-32064154-TGCCGGGCGGCGAG-T. GRCh37 (hg19) VCF-style: chr2-32289223-TGCCGGGCGGCGAG-T.
Other names: c.328_340del, p.Gly110fs (NM_001363823.2, NM_001363875.2, NM_001377959.1 and 1 more transcripts); c.328_340delGGCGGCGAGGCCG (NM_014946.3); short protein forms G110fs.
Identifiers: ClinVar variation 536443 (VCV000536443.9), dbSNP rs1410418105, ClinGen allele CA658795702.

ClinVar aggregate classification (germline): Pathogenic (1 of 4 stars; one submission).

Conditions:
Hereditary spastic paraplegia 4. Also called: Spastic Paraplegia 4; Familial spastic paraplegia autosomal dominant 2; Spastic paraplegia 4, autosomal dominant. Identifiers: Orphanet 100985, MedGen C1866855, MONDO:0008438, OMIM 182601.

Submission:

Labcorp Genetics (formerly Invitae), Labcorp
Classification: Pathogenic for Hereditary spastic paraplegia 4. Last evaluated: 2022-07-25. Review status: criteria provided, single submitter. Criteria: Invitae Variant Classification Sherloc (09022015). Collection method: clinical testing. Allele origin: germline.
Comment: For these reasons, this variant has been classified as Pathogenic. ClinVar contains an entry for this variant (Variation ID: 536443). This premature translational stop signal has been observed in individual(s) with hereditary spastic paraplegia (PMID: 20562464). This variant is not present in population databases (gnomAD no frequency). This sequence change creates a premature translational stop signal (p.Gly110Serfs*47) in the SPAST gene. It is expected to result in an absent or disrupted protein product. Loss-of-function variants in SPAST are known to be pathogenic (PMID: 20932283).

Literature cited by the submitters: PubMed 20562464; PubMed 20932283.